The following is an entry in ClinVar:

NM_000228.3(LAMB3):c.267C>T (p.Ser89=)

Gene: LAMB3 (laminin subunit beta 3; minus strand). Cytogenetic location: 1q32.2.
Variant type: single nucleotide variant.
Coding change: c.267C>T on transcript NM_000228.3 (MANE Select); coding-DNA position 267, C replaced by T.
Protein change: p.Ser89=; no amino-acid change (serine 89 retained).
Molecular consequence: synonymous variant.
Genome position (GRCh38, 1-based): chr1:209,638,565, G>A on the plus strand (C>T on the coding strand, the complement: LAMB3 is on the minus strand). VCF-style: chr1-209638565-G-A. GRCh37 (hg19) VCF-style: chr1-209811910-G-A.
Other names: c.267C>T, p.Ser89= (NM_001017402.2, NM_001127641.1).
Identifiers: ClinVar variation 295144 (VCV000295144.25), dbSNP rs143833060, ClinGen allele CA1376055.

ClinVar aggregate classification (germline): Conflicting classifications of pathogenicity. Review status: criteria provided, conflicting classifications (1 of 4 stars). 3 submissions from 3 submitters: Uncertain significance (1); Likely benign (2). Last evaluated 2026-01-24.

Conditions:
Junctional epidermolysis bullosa. Identifiers: Orphanet 305, MedGen C0079301, MONDO:0017612.

Allele frequency attached by ClinVar (database versions not stated): gnomAD 0.00006 and 0.00013; TOPMed 0.00006; ESP Exome Variant Server 0.00023; 1000 Genomes Project 0.00040; 1000 Genomes Project 30x 0.00062.

Submissions (3):

Labcorp Genetics (formerly Invitae), Labcorp
Classification: Likely benign. Last evaluated: 2026-01-24. Review status: criteria provided, single submitter. Criteria: Invitae Variant Classification Sherloc (09022015). Collection method: clinical testing. Allele origin: germline.

CeGaT Center for Human Genetics Tuebingen
Classification: Likely benign. Last evaluated: 2025-05-01. Review status: criteria provided, single submitter. Criteria: CeGaT Center For Human Genetics Tuebingen Variant Classification Criteria Version 2. Collection method: clinical testing. Allele origin: germline. Affected: yes. Observed: 1 variant allele.
Comment: LAMB3: BP4, BP7

Illumina Laboratory Services, Illumina
Classification: Uncertain significance for Junctional epidermolysis bullosa. Last evaluated: 2018-01-13. Review status: criteria provided, single submitter. Criteria: ICSL Variant Classification Criteria 13 December 2019. Collection method: clinical testing. Allele origin: germline.